The following is an entry in ClinVar:

ClinVar aggregate classification (germline): Pathogenic (1 of 4 stars; one submission).

Submission:

GeneDx
Classification: Pathogenic. Last evaluated: 2025-08-16. Review status: criteria provided, single submitter. Criteria: GeneDx Variant Classification Process June 2021. Collection method: clinical testing. Allele origin: germline.
Comment: Frameshift variant predicted to result in abnormal protein length as the last 1438 amino acids are replaced with 117 different amino acids, and other similar variants have been reported in HGMD; Not observed at significant frequency in large population cohorts (gnomAD); Has not been previously published as pathogenic or benign to our knowledge

NM_002016.2(FLG):c.7871_7874del (p.Arg2624fs)

Genes: CCDST (cervical cancer associated DHX9 suppressive transcript; plus strand), FLG (filaggrin; minus strand). Cytogenetic location: 1q21.3.
Variant type: Deletion.
Coding change: c.7871_7874del on transcript NM_002016.2 (MANE Select); coding-DNA positions 7871 to 7874, 4 bases deleted (GACA; older notation c.7871_7874delGACA).
Protein change: p.Arg2624fs; shifts the reading frame from arginine 2624.
Molecular consequence: frameshift variant.
Genome position (GRCh38, 1-based): chr1:152,307,012-152,307,015, TGTC deleted on the plus strand (GACA on the coding strand, the reverse complement: FLG is on the minus strand); deleting any 4 consecutive bases within chr1:152,307,012-152,307,017 gives the same sequence; the c. name uses the placement nearest the transcript's 3' end. VCF-style (leftmost placement, unchanged base first): chr1-152307011-TTGTC-T. GRCh37 (hg19) VCF-style: chr1-152279487-TTGTC-T.
Other names: c.7869_7872delCAGA, p.Arg2624Asnfs (NM_002016.1); short protein forms R2624fs.
Identifiers: ClinVar variation 3381639 (VCV003381639.2).
Genomic context (GRCh38, chr1:152,307,011, plus strand): 5'-CTGTTCATGGGATGATGCAGCCTGTCCACCAGAGGAAGTCTGTGTGTGACGAGTGCCTGA[TTGTC>T]TGGAGCTGTCTGCAGAGTGCCCATGACCAGCTCTGTCTTCTTGATGGGACCTGGGGTGTC-3'